The following is an entry in ClinVar:

ClinVar aggregate classification (germline): Uncertain significance (1 of 4 stars; one submission).

Allele frequency attached by ClinVar (database versions not stated): TOPMed 0.00002.
gnomAD v4.1: 5 of 1,613,190 alleles (0.00031%); highest among the groups gnomAD compares: Admixed American, 0.0083%; no homozygotes.

Submission:

Labcorp Genetics (formerly Invitae), Labcorp
Classification: Uncertain significance. Last evaluated: 2022-02-28. Review status: criteria provided, single submitter. Criteria: Invitae Variant Classification Sherloc (09022015). Collection method: clinical testing. Allele origin: germline.
Comment: In summary, the available evidence is currently insufficient to determine the role of this variant in disease. Therefore, it has been classified as a Variant of Uncertain Significance. Algorithms developed to predict the effect of missense changes on protein structure and function are either unavailable or do not agree on the potential impact of this missense change (SIFT: "Deleterious"; PolyPhen-2: "Benign"; Align-GVGD: "Class C0"). This variant has not been reported in the literature in individuals affected with ERCC3-related conditions. This variant is present in population databases (no rsID available, gnomAD 0.01%). This sequence change replaces aspartic acid, which is acidic and polar, with tyrosine, which is neutral and polar, at codon 243 of the ERCC3 protein (p.Asp243Tyr).

NM_000122.2(ERCC3):c.727G>T (p.Asp243Tyr)

Gene: ERCC3 (ERCC excision repair 3, TFIIH core complex helicase subunit; minus strand). Cytogenetic location: 2q14.3.
Variant type: single nucleotide variant.
Coding change: c.727G>T on transcript NM_000122.2 (MANE Select); coding-DNA position 727, G replaced by T.
Protein change: p.Asp243Tyr; replaces aspartic acid 243 with tyrosine.
Molecular consequence: missense variant.
Genome position (GRCh38, 1-based): chr2:127,289,432, C>A on the plus strand (G>T on the coding strand, the complement: ERCC3 is on the minus strand). VCF-style: chr2-127289432-C-A. GRCh37 (hg19) VCF-style: chr2-128047008-C-A.
Other names: c.535G>T, p.Asp179Tyr (NM_001303416.2, NM_001303418.2); short protein forms D243Y, D179Y.
Identifiers: ClinVar variation 2053009 (VCV002053009.4), dbSNP rs1198587049, ClinGen allele CA348390853.